The following is an entry in ClinVar:

NM_001371986.1(UNC80):c.7763G>A (p.Arg2588Gln)

Gene: UNC80 (unc-80 subunit of NALCN channel complex; plus strand). Cytogenetic location: 2q34.
Variant type: single nucleotide variant.
Coding change: c.7763G>A on transcript NM_001371986.1 (MANE Select); coding-DNA position 7763, G replaced by A.
Protein change: p.Arg2588Gln; replaces arginine 2588 with glutamine.
Molecular consequence: missense variant.
Genome position (GRCh38, 1-based): chr2:209,959,665, G>A. VCF-style: chr2-209959665-G-A. GRCh37 (hg19) VCF-style: chr2-210824389-G-A.
Other names: c.7565G>A, p.Arg2522Gln (NM_032504.2); c.7550G>A, p.Arg2517Gln (NM_182587.4); short protein forms R2517Q, R2522Q, R2588Q.
Identifiers: ClinVar variation 1483776 (VCV001483776.5), dbSNP rs1396239022, ClinGen allele CA350776990.
Genomic context (GRCh38, chr2:209,959,665, plus strand): 5'-AGTTCTATAAGCACTGTGGGCCACGGCTGAAGATCTTGCAAAATCTGGCTGGGGAGCCTC[G>A]GGTCATTGCCTTGGAACTGCTGGATGTGAAGTCTCACATGAGGTACTGGCCTCGCTTTCC-3'
Protein context (NP_001358915.1, residues 2578-2598): KILQNLAGEP[Arg2588Gln]VIALELLDVK

ClinVar aggregate classification (germline): Uncertain significance (1 of 4 stars; one submission).

Allele frequency attached by ClinVar (database versions not stated): gnomAD exomes below 0.00001.
gnomAD v4.1: 3 of 1,551,644 alleles (0.00019%); highest among the groups gnomAD compares: Non-Finnish European, 0.00026%; no homozygotes.

Submission:

Labcorp Genetics (formerly Invitae), Labcorp
Classification: Uncertain significance. Last evaluated: 2025-08-05. Review status: criteria provided, single submitter. Criteria: Invitae Variant Classification Sherloc (09022015). Collection method: clinical testing. Allele origin: germline.
Comment: This sequence change replaces arginine, which is basic and polar, with glutamine, which is neutral and polar, at codon 2522 of the UNC80 protein (p.Arg2522Gln). This variant is not present in population databases (gnomAD no frequency). This variant has not been reported in the literature in individuals affected with UNC80-related conditions. ClinVar contains an entry for this variant (Variation ID: 1483776). Invitae Evidence Modeling of protein sequence and biophysical properties (such as structural, functional, and spatial information, amino acid conservation, physicochemical variation, residue mobility, and thermodynamic stability) indicates that this missense variant is not expected to disrupt UNC80 protein function with a negative predictive value of 80%. In summary, the available evidence is currently insufficient to determine the role of this variant in disease. Therefore, it has been classified as a Variant of Uncertain Significance.